The following is an entry in ClinVar:

ClinVar aggregate classification (germline): Conflicting classifications of pathogenicity. Review status: criteria provided, conflicting classifications (1 of 4 stars). 2 submissions from 2 submitters: Uncertain significance (1); Likely benign (1). Last evaluated 2022-08-09.

Conditions:
Inborn genetic diseases. Identifiers: MedGen C0950123, MeSH D030342.

Allele frequency attached by ClinVar (database versions not stated): gnomAD 0.00008 and 0.00010; gnomAD exomes 0.00008 and 0.00013; TOPMed 0.00014; 1000 Genomes Project 30x 0.00016; ExAC 0.00018; 1000 Genomes Project 0.00020; ESP Exome Variant Server 0.00023.
gnomAD v4.1: 135 of 1,612,972 alleles (0.0084%); highest among the groups gnomAD compares: South Asian, 0.08%; no homozygotes.

Submissions (2):

Labcorp Genetics (formerly Invitae), Labcorp
Classification: Uncertain significance. Last evaluated: 2022-08-09. Review status: criteria provided, single submitter. Criteria: Invitae Variant Classification Sherloc (09022015). Collection method: clinical testing. Allele origin: germline.
Comment: This sequence change replaces threonine, which is neutral and polar, with methionine, which is neutral and non-polar, at codon 60 of the KATNB1 protein (p.Thr60Met). This variant is present in population databases (rs139636269, gnomAD 0.06%). This variant has not been reported in the literature in individuals affected with KATNB1-related conditions. ClinVar contains an entry for this variant (Variation ID: 1523436). Algorithms developed to predict the effect of missense changes on protein structure and function are either unavailable or do not agree on the potential impact of this missense change (SIFT: "Deleterious"; PolyPhen-2: "Probably Damaging"; Align-GVGD: "Class C15"). In summary, the available evidence is currently insufficient to determine the role of this variant in disease. Therefore, it has been classified as a Variant of Uncertain Significance.

Ambry Genetics
Classification: Likely benign for Inborn genetic diseases. Last evaluated: 2021-12-03. Review status: criteria provided, single submitter. Criteria: Ambry Variant Classification Scheme 2023. Collection method: clinical testing. Allele origin: germline.

NM_005886.3(KATNB1):c.179C>T (p.Thr60Met)

Gene: KATNB1 (katanin regulatory subunit B1; plus strand). Cytogenetic location: 16q21.
Variant type: single nucleotide variant.
Coding change: c.179C>T on transcript NM_005886.3 (MANE Select); coding-DNA position 179, C replaced by T.
Protein change: p.Thr60Met; replaces threonine 60 with methionine.
Molecular consequence: missense variant.
Genome position (GRCh38, 1-based): chr16:57,744,401, C>T. VCF-style: chr16-57744401-C-T. GRCh37 (hg19) VCF-style: chr16-57778313-C-T.
Other names: c.179C>T (NM_005886.2); short protein forms T60M.
Identifiers: ClinVar variation 1523436 (VCV001523436.4), dbSNP rs139636269, ClinGen allele CA8080654.